The following is an entry in ClinVar:

NM_001958.5(EEF1A2):c.716C>T (p.Thr239Met)

Gene: EEF1A2 (eukaryotic translation elongation factor 1 alpha 2; minus strand). Cytogenetic location: 20q13.33.
Variant type: single nucleotide variant.
Coding change: c.716C>T on transcript NM_001958.5 (MANE Select); coding-DNA position 716, C replaced by T.
Protein change: p.Thr239Met; replaces threonine 239 with methionine.
Molecular consequence: missense variant.
Genome position (GRCh38, 1-based): chr20:63,493,193, G>A on the plus strand (C>T on the coding strand, the complement: EEF1A2 is on the minus strand). VCF-style: chr20-63493193-G-A. GRCh37 (hg19) VCF-style: chr20-62124546-G-A.
Other names: c.716C>T (NM_001958.2); short protein forms T239M.
Identifiers: ClinVar variation 803625 (VCV000803625.4), dbSNP rs993963334, ClinGen allele CA317439964.
Genomic context (GRCh38, chr20:63,493,193, plus strand): 5'-TCACCGCCAATCTTGTACACGTCCTGCAGCGGCAGGCGCAGGGGCTTGTCCGTGGGGCGC[G>A]TGGGGGGCAGGATGGTGTCCAGGGCCTCCAGCAGGGACACGCCGCTTGCGTTGCCCTCCT-3'
Protein context (NP_001949.1, residues 229-249): LEALDTILPP[Thr239Met]RPTDKPLRLP

ClinVar aggregate classification (germline): Conflicting classifications of pathogenicity. Review status: criteria provided, conflicting classifications (1 of 4 stars). 3 submissions from 3 submitters: Uncertain significance (2); Likely benign (1). Last evaluated 2024-08-18.

Conditions:
Developmental and epileptic encephalopathy, 33 (DEE33). Also called: Epileptic encephalopathy, early infantile, 33. Identifiers: Orphanet 442835, MedGen C4225337, MONDO:0014625, OMIM 616409.
Inborn genetic diseases. Identifiers: MedGen C0950123, MeSH D030342.

Allele frequency attached by ClinVar (database versions not stated): gnomAD 0.00001 and 0.00003; gnomAD exomes 0.00001; TOPMed 0.00001.
gnomAD v4.1: 11 of 1,548,710 alleles (0.00071%); highest among the groups gnomAD compares: East Asian, 0.0024%; no homozygotes.

Submissions (3):

Labcorp Genetics (formerly Invitae), Labcorp
Classification: Uncertain significance for Developmental and epileptic encephalopathy, 33. Last evaluated: 2024-08-18. Review status: criteria provided, single submitter. Criteria: Invitae Variant Classification Sherloc (09022015). Collection method: clinical testing. Allele origin: germline.
Comment: This sequence change replaces threonine, which is neutral and polar, with methionine, which is neutral and non-polar, at codon 239 of the EEF1A2 protein (p.Thr239Met). This variant is present in population databases (no rsID available, gnomAD 0.001%). This variant has not been reported in the literature in individuals affected with EEF1A2-related conditions. ClinVar contains an entry for this variant (Variation ID: 803625). Invitae Evidence Modeling of protein sequence and biophysical properties (such as structural, functional, and spatial information, amino acid conservation, physicochemical variation, residue mobility, and thermodynamic stability) indicates that this missense variant is not expected to disrupt EEF1A2 protein function with a negative predictive value of 80%. In summary, the available evidence is currently insufficient to determine the role of this variant in disease. Therefore, it has been classified as a Variant of Uncertain Significance.

Ambry Genetics
Classification: Likely benign for Inborn genetic diseases. Last evaluated: 2024-08-04. Review status: criteria provided, single submitter. Criteria: Ambry Variant Classification Scheme 2023. Collection method: clinical testing. Allele origin: germline.

Mendelics
Classification: Uncertain significance for Developmental and epileptic encephalopathy, 33. Last evaluated: 2019-05-28. Review status: criteria provided, single submitter. Criteria: Mendelics Assertion Criteria 2017. Collection method: clinical testing. Allele origin: unknown.